The following is an entry in ClinVar:

ClinVar aggregate classification (germline): Uncertain significance. Review status: criteria provided, multiple submitters, no conflicts (2 of 4 stars). 2 submissions from 2 submitters: Uncertain significance (2). Last evaluated 2026-02-01.

Conditions:
Hereditary cancer-predisposing syndrome. Also called: Hereditary neoplastic syndrome; Neoplastic Syndromes, Hereditary; Tumor predisposition; Hereditary Cancer Syndrome. Identifiers: Orphanet 140162, MedGen C0027672, MeSH D009386, MONDO:0015356.
Ataxia-telangiectasia syndrome (AT). Also called: ATAXIA-TELANGIECTASIA, COMPLEMENTATION GROUP A; ATAXIA-TELANGIECTASIA, FRESNO VARIANT; Ataxia-telangiectasia, complementation group D; AT, COMPLEMENTATION GROUP C; Cerebello-oculocutaneous telangiectasia; Immunodeficiency with ataxia telangiectasia. Identifiers: Orphanet 100, MedGen C0004135, MONDO:0008840, OMIM 208900.

Allele frequency attached by ClinVar (database versions not stated): gnomAD exomes below 0.00001.
gnomAD v4.1: 1 of 1,612,576 alleles (0.000062%); highest among the groups gnomAD compares: Admixed American, 0.0017%; no homozygotes.

Submissions (2):

Labcorp Genetics (formerly Invitae), Labcorp
Classification: Uncertain significance for Ataxia-telangiectasia syndrome. Last evaluated: 2026-02-01. Review status: criteria provided, single submitter. Criteria: Invitae Variant Classification Sherloc (09022015). Collection method: clinical testing. Allele origin: germline.
Comment: This sequence change replaces isoleucine, which is neutral and non-polar, with threonine, which is neutral and polar, at codon 311 of the ATM protein (p.Ile311Thr). This variant is present in population databases (no rsID available, gnomAD 0.003%). This variant has not been reported in the literature in individuals affected with ATM-related conditions. ClinVar contains an entry for this variant (Variation ID: 1039826). Invitae Evidence Modeling of protein sequence and biophysical properties (such as structural, functional, and spatial information, amino acid conservation, physicochemical variation, residue mobility, and thermodynamic stability) indicates that this missense variant is not expected to disrupt ATM protein function with a negative predictive value of 95%. In summary, the available evidence is currently insufficient to determine the role of this variant in disease. Therefore, it has been classified as a Variant of Uncertain Significance.

Ambry Genetics
Classification: Uncertain significance for Hereditary cancer-predisposing syndrome. Last evaluated: 2025-03-19. Review status: criteria provided, single submitter. Criteria: Ambry Variant Classification Scheme 2023. Collection method: clinical testing. Allele origin: germline.
Comment: The p.I311T variant (also known as c.932T>C), located in coding exon 7 of the ATM gene, results from a T to C substitution at nucleotide position 932. The isoleucine at codon 311 is replaced by threonine, an amino acid with similar properties. This amino acid position is not well conserved in available vertebrate species. In addition, this alteration is predicted to be tolerated by in silico analysis. Based on the available evidence, the clinical significance of this variant remains unclear.

NM_000051.4(ATM):c.932T>C (p.Ile311Thr)

Gene: ATM (ATM serine/threonine kinase; plus strand). Cytogenetic location: 11q22.3.
Variant type: single nucleotide variant.
Coding change: c.932T>C on transcript NM_000051.4 (MANE Select); coding-DNA position 932, T replaced by C.
Protein change: p.Ile311Thr; replaces isoleucine 311 with threonine.
Molecular consequence: missense variant.
Genome position (GRCh38, 1-based): chr11:108,246,994, T>C. VCF-style: chr11-108246994-T-C. GRCh37 (hg19) VCF-style: chr11-108117721-T-C.
Other names: c.932T>C, p.Ile311Thr (NM_001351834.2); short protein forms I311T.
Identifiers: ClinVar variation 1039826 (VCV001039826.9), dbSNP rs1462079674, ClinGen allele CA382530706.